The following is an entry in ClinVar:

ClinVar aggregate classification (germline): Pathogenic (1 of 4 stars; one submission).

Submission:

Labcorp Genetics (formerly Invitae), Labcorp
Classification: Pathogenic. Last evaluated: 2024-10-30. Review status: criteria provided, single submitter. Criteria: Invitae Variant Classification Sherloc (09022015). Collection method: clinical testing. Allele origin: germline.
Comment: This sequence change creates a premature translational stop signal (p.Arg145Serfs*11) in the NAXE gene. It is expected to result in an absent or disrupted protein product. Loss-of-function variants in NAXE are known to be pathogenic (PMID: 27290639, 27616477, 33798445). This variant is present in population databases (rs766617434, gnomAD 0.004%). This variant has not been reported in the literature in individuals affected with NAXE-related conditions. For these reasons, this variant has been classified as Pathogenic.

Literature cited by the submitters: PubMed 27290639; PubMed 27616477; PubMed 33798445.

NM_144772.3(NAXE):c.435del (p.Arg145fs)

Gene: NAXE (NAD(P)HX epimerase; plus strand). Cytogenetic location: 1q22.
Variant type: Deletion.
Coding change: c.435del on transcript NM_144772.3 (MANE Select); coding-DNA position 435, one base deleted (G; older notation c.435delG).
Protein change: p.Arg145fs; shifts the reading frame from arginine 145.
Molecular consequence: frameshift variant.
Genome position (GRCh38, 1-based): chr1:156,592,589, G deleted; the last of 2 consecutive G bases (chr1:156,592,588-156,592,589); deleting either gives the same sequence. VCF-style (leftmost placement, unchanged base first): chr1-156592587-AG-A. GRCh37 (hg19) VCF-style: chr1-156562379-AG-A.
Other names: short protein forms R145fs.
Identifiers: ClinVar variation 3626892 (VCV003626892.2), dbSNP rs766617434.
Genomic context (GRCh38, chr1:156,592,587, plus strand): 5'-TCTGGGGTTGAATTACCACTTTCTTCCTAGGGCTACGAGCCAACCATCTATTACCCCAAA[AG>A]GCCTAACAAGCCCCTCTTCACTGCATTGGTGACCCAGTGTCAGAAAATGGACATCCCTTT-3'